The following is an entry in ClinVar:

ClinVar aggregate classification (germline): Uncertain significance. Review status: criteria provided, multiple submitters, no conflicts (2 of 4 stars). 2 submissions from 2 submitters: Uncertain significance (2). Last evaluated 2025-06-16.

Conditions:
Primary ciliary dyskinesia 6. Also called: Primary Ciliary Dyskinesia 6: TXNDC3-Related Primary Ciliary Dyskinesia. Identifiers: Orphanet 244, MedGen C1970506, MONDO:0012571, OMIM 610852.
Primary ciliary dyskinesia. Also called: Ciliary dyskinesia. Identifiers: Orphanet 244, MedGen C0008780, MONDO:0016575, HP:0012265.

Allele frequency attached by ClinVar (database versions not stated): gnomAD 0.00001; TOPMed 0.00001; gnomAD exomes 0.00003; ExAC 0.00004.
gnomAD v4.1: 18 of 1,613,988 alleles (0.0011%); highest among the groups gnomAD compares: Middle Eastern, 0.016%; no homozygotes.

Submissions (2):

Labcorp Genetics (formerly Invitae), Labcorp
Classification: Uncertain significance for Primary ciliary dyskinesia 6. Last evaluated: 2025-06-16. Review status: criteria provided, single submitter. Criteria: Invitae Variant Classification Sherloc (09022015). Collection method: clinical testing. Allele origin: germline.
Comment: This sequence change replaces glycine, which is neutral and non-polar, with cysteine, which is neutral and slightly polar, at codon 28 of the NME8 protein (p.Gly28Cys). This variant is present in population databases (rs780172047, gnomAD 0.005%). This variant has not been reported in the literature in individuals affected with NME8-related conditions. ClinVar contains an entry for this variant (Variation ID: 409678). Invitae Evidence Modeling of protein sequence and biophysical properties (such as structural, functional, and spatial information, amino acid conservation, physicochemical variation, residue mobility, and thermodynamic stability) indicates that this missense variant is expected to disrupt NME8 protein function with a positive predictive value of 80%. In summary, the available evidence is currently insufficient to determine the role of this variant in disease. Therefore, it has been classified as a Variant of Uncertain Significance.

Ambry Genetics
Classification: Uncertain significance for Primary ciliary dyskinesia. Last evaluated: 2024-05-31. Review status: criteria provided, single submitter. Criteria: Ambry Variant Classification Scheme 2023. Collection method: clinical testing. Allele origin: germline.
Comment: Does not currently meet published gene-disease clinical validity criteria Based on insufficient or conflicting evidence, the clinical significance of this alteration remains unclear.

Literature cited by the submitters: PubMed 28106320 (cited by Ambry Genetics).

NM_016616.5(NME8):c.82G>T (p.Gly28Cys)

Gene: NME8 (NME/NM23 family member 8; plus strand). Cytogenetic location: 7p14.1.
Variant type: single nucleotide variant.
Coding change: c.82G>T on transcript NM_016616.5 (MANE Select); coding-DNA position 82, G replaced by T.
Protein change: p.Gly28Cys; replaces glycine 28 with cysteine.
Molecular consequence: missense variant.
Genome position (GRCh38, 1-based): chr7:37,850,426, G>T. VCF-style: chr7-37850426-G-T. GRCh37 (hg19) VCF-style: chr7-37890028-G-T.
Other names: short protein forms G28C.
Identifiers: ClinVar variation 409678 (VCV000409678.4), dbSNP rs780172047, ClinGen allele CA4222038.